The following is an entry in ClinVar:

NM_024675.4(PALB2):c.761C>A (p.Ser254Ter)

Gene: PALB2 (partner and localizer of BRCA2; minus strand). Cytogenetic location: 16p12.2.
Variant type: single nucleotide variant.
Coding change: c.761C>A on transcript NM_024675.4 (MANE Select); coding-DNA position 761, C replaced by A.
Protein change: p.Ser254Ter; replaces serine 254 with a stop codon.
Molecular consequence: nonsense.
Genome position (GRCh38, 1-based): chr16:23,635,785, G>T on the plus strand (C>A on the coding strand, the complement: PALB2 is on the minus strand). VCF-style: chr16-23635785-G-T. GRCh37 (hg19) VCF-style: chr16-23647106-G-T.
Other names: short protein forms S254*.
Identifiers: ClinVar variation 220919 (VCV000220919.10), dbSNP rs864622695, ClinGen allele CA350807.
Genomic context (GRCh38, chr16:23,635,785, plus strand): 5'-GTAAGTTCACTGCTACCTTTAGGAGGAATGTGTTCAAGGTGCTGACTACTACCGCTATCT[G>T]ATAGAGTCTGTAAAGGAACTGTAGTCGCCCTGGTGAAATTAGGTCTTCTTAGGAATGTAT-3'

ClinVar aggregate classification (germline): Pathogenic. Review status: criteria provided, multiple submitters, no conflicts (2 of 4 stars). 2 submissions from 2 submitters: Pathogenic (2). Last evaluated 2024-04-15.

Conditions:
Hereditary cancer-predisposing syndrome. Also called: Hereditary neoplastic syndrome; Tumor predisposition; Hereditary Cancer Syndrome; Neoplastic Syndromes, Hereditary. Identifiers: Orphanet 140162, MedGen C0027672, MeSH D009386, MONDO:0015356.
Familial cancer of breast. Also called: hereditary breast carcinoma; Hereditary breast cancer; BREAST CANCER, FAMILIAL. Identifiers: Orphanet 227535, MedGen C0346153, MONDO:0016419, OMIM 114480. Disease mechanism: loss of function.

Submissions (2):

Labcorp Genetics (formerly Invitae), Labcorp
Classification: Pathogenic for Familial cancer of breast. Last evaluated: 2024-04-15. Review status: criteria provided, single submitter. Criteria: Invitae Variant Classification Sherloc (09022015). Collection method: clinical testing. Allele origin: germline.
Comment: This sequence change creates a premature translational stop signal (p.Ser254*) in the PALB2 gene. It is expected to result in an absent or disrupted protein product. Loss-of-function variants in PALB2 are known to be pathogenic (PMID: 17200668, 17200671, 17200672, 24136930, 25099575). This variant is not present in population databases (gnomAD no frequency). This variant has not been reported in the literature in individuals affected with PALB2-related conditions. ClinVar contains an entry for this variant (Variation ID: 220919). For these reasons, this variant has been classified as Pathogenic.

Ambry Genetics
Classification: Pathogenic for Hereditary cancer-predisposing syndrome. Last evaluated: 2020-08-25. Review status: criteria provided, single submitter. Criteria: Ambry Variant Classification Scheme 2023. Collection method: clinical testing. Allele origin: germline.
Comment: The p.S254* variant (also known as c.761C>A), located in coding exon 4 of the PALB2 gene, results from a C to A substitution at nucleotide position 761. This changes the amino acid from a serine to a stop codon within coding exon 4. This alteration is expected to result in loss of function by premature protein truncation or nonsense-mediated mRNA decay. As such, this alteration is interpreted as a disease-causing mutation.

Literature cited by the submitters: PubMed 17200668 (cited by Labcorp Genetics (formerly Invitae), Labcorp); PubMed 17200671 (cited by Labcorp Genetics (formerly Invitae), Labcorp); PubMed 17200672 (cited by Labcorp Genetics (formerly Invitae), Labcorp); PubMed 24136930 (cited by Labcorp Genetics (formerly Invitae), Labcorp); PubMed 25099575 (cited by Labcorp Genetics (formerly Invitae), Labcorp).